The following is an entry in ClinVar:

NM_003737.4(DCHS1):c.1663C>G (p.Leu555Val)

Gene: DCHS1 (dachsous cadherin-related 1; minus strand). Cytogenetic location: 11p15.4.
Variant type: single nucleotide variant.
Coding change: c.1663C>G on transcript NM_003737.4 (MANE Select); coding-DNA position 1663, C replaced by G.
Protein change: p.Leu555Val; replaces leucine 555 with valine.
Molecular consequence: missense variant.
Genome position (GRCh38, 1-based): chr11:6,639,951, G>C on the plus strand (C>G on the coding strand, the complement: DCHS1 is on the minus strand). VCF-style: chr11-6639951-G-C. GRCh37 (hg19) VCF-style: chr11-6661182-G-C.
Other names: short protein forms L555V.
Identifiers: ClinVar variation 2123602 (VCV002123602.4), dbSNP rs1177765491, ClinGen allele CA379430463.
Genomic context (GRCh38, chr11:6,639,951, plus strand): 5'-CATTATCATTCACATCTTGCAGGGCCACGCTAACTGTGGCAGAGGAGGCTAGAGGGGGCA[G>C]GCCACCATCTGTGGCCACCACAATCAGCTGTGGCTGAGGTTCCAACTCATAGTCCAGTGA-3'
Protein context (NP_003728.1, residues 545-565): QLIVVATDGG[Leu555Val]PPLASSATVS

ClinVar aggregate classification (germline): Uncertain significance (1 of 4 stars; one submission).

gnomAD v4.1: 1 of 1,614,040 alleles (0.000062%); highest among the groups gnomAD compares: Non-Finnish European, 0.000085%; no homozygotes.

Submission:

Labcorp Genetics (formerly Invitae), Labcorp
Classification: Uncertain significance. Last evaluated: 2022-04-25. Review status: criteria provided, single submitter. Criteria: Invitae Variant Classification Sherloc (09022015). Collection method: clinical testing. Allele origin: germline.
Comment: This sequence change replaces leucine, which is neutral and non-polar, with valine, which is neutral and non-polar, at codon 555 of the DCHS1 protein (p.Leu555Val). This variant is present in population databases (no rsID available, gnomAD 0.0009%). In summary, the available evidence is currently insufficient to determine the role of this variant in disease. Therefore, it has been classified as a Variant of Uncertain Significance. Advanced modeling of protein sequence and biophysical properties (such as structural, functional, and spatial information, amino acid conservation, physicochemical variation, residue mobility, and thermodynamic stability) performed at Invitae indicates that this missense variant is not expected to disrupt DCHS1 protein function. This variant has not been reported in the literature in individuals affected with DCHS1-related conditions.